The following is an entry in ClinVar:

NM_004006.3(DMD):c.10991A>G (p.Asn3664Ser)

Gene: DMD (dystrophin; minus strand). Cytogenetic location: Xp21.2.
Variant type: single nucleotide variant.
Coding change: c.10991A>G on transcript NM_004006.3 (MANE Select); coding-DNA position 10991, A replaced by G.
Protein change: p.Asn3664Ser; replaces asparagine 3664 with serine.
Molecular consequence: missense variant.
Genome position (GRCh38, 1-based): chrX:31,134,125, T>C on the plus strand (A>G on the coding strand, the complement: DMD is on the minus strand). VCF-style: chrX-31134125-T-C. GRCh37 (hg19) VCF-style: chrX-31152242-T-C.
Other names: c.10967A>G, p.Asn3656Ser (NM_000109.4); c.10979A>G, p.Asn3660Ser (NM_004009.3); c.10622A>G, p.Asn3541Ser (NM_004010.3); c.6968A>G, p.Asn2323Ser (NM_004011.4); c.6959A>G, p.Asn2320Ser (NM_004012.4); c.3611A>G, p.Asn1204Ser (NM_004013.3, NM_004021.3); c.2804A>G, p.Asn935Ser (NM_004014.3); c.1787A>G, p.Asn596Ser (NM_004015.3, NM_004016.3); and 3 more; short protein forms N3660S, N1094S, N3664S, N935S, N1191S, N3656S, N583S, N596S.
Identifiers: ClinVar variation 4764340 (VCV004764340.1).

ClinVar aggregate classification (germline): Uncertain significance (1 of 4 stars; one submission).

Conditions:
Duchenne muscular dystrophy (DMD). Also called: MUSCULAR DYSTROPHY, PSEUDOHYPERTROPHIC PROGRESSIVE, DUCHENNE TYPE; Duchenne Muscular Dystrophy (DMD). Identifiers: Orphanet 98896, MedGen C0013264, MONDO:0010679, OMIM 310200.

gnomAD v4.1: 2 of 1,211,031 alleles (0.00017%); highest among the groups gnomAD compares: East Asian, 0.003%; no homozygotes.

Submission:

Labcorp Genetics (formerly Invitae), Labcorp
Classification: Uncertain significance for Duchenne muscular dystrophy. Last evaluated: 2026-01-25. Review status: criteria provided, single submitter. Criteria: Invitae Variant Classification Sherloc (09022015). Collection method: clinical testing. Allele origin: germline.
Comment: This sequence change replaces asparagine, which is neutral and polar, with serine, which is neutral and polar, at codon 3664 of the DMD protein (p.Asn3664Ser). This variant is not present in population databases (gnomAD no frequency). This variant has not been reported in the literature in individuals affected with DMD-related conditions. Invitae Evidence Modeling of protein sequence and biophysical properties (such as structural, functional, and spatial information, amino acid conservation, physicochemical variation, residue mobility, and thermodynamic stability) indicates that this missense variant is not expected to disrupt DMD protein function with a negative predictive value of 95%. In summary, the available evidence is currently insufficient to determine the role of this variant in disease. Therefore, it has been classified as a Variant of Uncertain Significance.